The following is an entry in ClinVar:

ClinVar aggregate classification (germline): Uncertain significance (1 of 4 stars; one submission).

Submission:

Labcorp Genetics (formerly Invitae), Labcorp
Classification: Uncertain significance. Last evaluated: 2025-01-29. Review status: criteria provided, single submitter. Criteria: Invitae Variant Classification Sherloc (09022015). Collection method: clinical testing. Allele origin: germline.
Comment: This sequence change replaces valine, which is neutral and non-polar, with phenylalanine, which is neutral and non-polar, at codon 158 of the CLCN7 protein (p.Val158Phe). This variant is not present in population databases (gnomAD no frequency). This variant has not been reported in the literature in individuals affected with CLCN7-related conditions. Invitae Evidence Modeling of protein sequence and biophysical properties (such as structural, functional, and spatial information, amino acid conservation, physicochemical variation, residue mobility, and thermodynamic stability) indicates that this missense variant is not expected to disrupt CLCN7 protein function with a negative predictive value of 95%. In summary, the available evidence is currently insufficient to determine the role of this variant in disease. Therefore, it has been classified as a Variant of Uncertain Significance.

NM_001287.6(CLCN7):c.472G>T (p.Val158Phe)

Gene: CLCN7 (chloride voltage-gated channel 7; minus strand). Cytogenetic location: 16p13.3.
Variant type: single nucleotide variant.
Coding change: c.472G>T on transcript NM_001287.6 (MANE Select); coding-DNA position 472, G replaced by T.
Protein change: p.Val158Phe; replaces valine 158 with phenylalanine.
Molecular consequence: missense variant.
Genome position (GRCh38, 1-based): chr16:1,460,828, C>A on the plus strand (G>T on the coding strand, the complement: CLCN7 is on the minus strand). VCF-style: chr16-1460828-C-A. GRCh37 (hg19) VCF-style: chr16-1510829-C-A.
Other names: c.400G>T, p.Val134Phe (NM_001114331.3); short protein forms V134F, V158F.
Identifiers: ClinVar variation 3637165 (VCV003637165.2).